The following is an entry in ClinVar:

NM_001191061.2(SLC25A22):c.743-9C>T

Gene: SLC25A22 (solute carrier family 25 member 22; minus strand). Cytogenetic location: 11p15.5.
Variant type: single nucleotide variant.
Coding change: c.743-9C>T on transcript NM_001191061.2 (MANE Select); 9 bases into the intron before coding-DNA position 743, C replaced by T.
Molecular consequence: intron variant.
Genome position (GRCh38, 1-based): chr11:792,226, G>A on the plus strand (C>T on the coding strand, the complement: SLC25A22 is on the minus strand). VCF-style: chr11-792226-G-A. GRCh37 (hg19) VCF-style: chr11-792226-G-A.
Other names: c.743-9C>T (NM_001191060.2, NM_024698.6).
Identifiers: ClinVar variation 392125 (VCV000392125.1), dbSNP rs763707732, ClinGen allele CA5789062.

ClinVar aggregate classification (germline): Likely benign (1 of 4 stars; one submission).

Allele frequency attached by ClinVar (database versions not stated): gnomAD exomes below 0.00001; ExAC 0.00001.
gnomAD v4.1: 1 of 1,612,958 alleles (0.000062%); highest among the groups gnomAD compares: East Asian, 0.0022%; no homozygotes.

Submission:

GeneDx
Classification: Likely benign. Last evaluated: 2017-01-01. Review status: criteria provided, single submitter. Criteria: GeneDx Variant Classification (06012015). Collection method: clinical testing. Allele origin: germline. Affected: yes.
Comment: This variant is considered likely benign or benign based on one or more of the following criteria: it is a conservative change, it occurs at a poorly conserved position in the protein, it is predicted to be benign by multiple in silico algorithms, and/or has population frequency not consistent with disease.